The following is an entry in ClinVar:

NM_004006.3(DMD):c.6122T>C (p.Ile2041Thr)

Gene: DMD (dystrophin; minus strand). Cytogenetic location: Xp21.1.
Variant type: single nucleotide variant.
Coding change: c.6122T>C on transcript NM_004006.3 (MANE Select); coding-DNA position 6122, T replaced by C.
Protein change: p.Ile2041Thr; replaces isoleucine 2041 with threonine.
Molecular consequence: missense variant.
Genome position (GRCh38, 1-based): chrX:32,287,697, A>G on the plus strand (T>C on the coding strand, the complement: DMD is on the minus strand). VCF-style: chrX-32287697-A-G. GRCh37 (hg19) VCF-style: chrX-32305814-A-G.
Other names: c.6098T>C, p.Ile2033Thr (NM_000109.4); c.6110T>C, p.Ile2037Thr (NM_004009.3); c.5753T>C, p.Ile1918Thr (NM_004010.3); c.2099T>C, p.Ile700Thr (NM_004011.4); c.2090T>C, p.Ile697Thr (NM_004012.4); short protein forms I2033T, I697T, I700T, I2041T, I1918T, I2037T.
Identifiers: ClinVar variation 971319 (VCV000971319.11), dbSNP rs749441036, ClinGen allele CA10378528.
Genomic context (GRCh38, chrX:32,287,697, plus strand): 5'-GCTGTCTTCTTGCTATGAATAATGTCAATCCGACCTGAGCTTTGTTGTAGACTATCTTTT[A>G]TATTCTGTAATATAAAAATTTTAAAACAGTAAAAAAATGAATTAGCTGTCTATAGAAAGA-3'
Protein context (NP_003997.2, residues 2031-2051): LFKQEESLKN[Ile2041Thr]KDSLQQSSGR

ClinVar aggregate classification (germline): Conflicting classifications of pathogenicity. Review status: criteria provided, conflicting classifications (1 of 4 stars). 2 submissions from 2 submitters: Uncertain significance (1); Likely benign (1). Last evaluated 2024-10-04.

Conditions:
Cardiovascular phenotype. Identifiers: MedGen CN230736.
Duchenne muscular dystrophy (DMD). Also called: MUSCULAR DYSTROPHY, PSEUDOHYPERTROPHIC PROGRESSIVE, DUCHENNE TYPE; Duchenne Muscular Dystrophy (DMD). Identifiers: Orphanet 98896, MedGen C0013264, MONDO:0010679, OMIM 310200.

Allele frequency attached by ClinVar (database versions not stated): gnomAD exomes 0.00001 and 0.00002; ExAC 0.00002.
gnomAD v4.1: 25 of 1,171,064 alleles (0.0021%); highest among the groups gnomAD compares: East Asian, 0.077%; no homozygotes.

Submissions (2):

Labcorp Genetics (formerly Invitae), Labcorp
Classification: Likely benign for Duchenne muscular dystrophy. Last evaluated: 2024-10-04. Review status: criteria provided, single submitter. Criteria: Invitae Variant Classification Sherloc (09022015). Collection method: clinical testing. Allele origin: germline.

Ambry Genetics
Classification: Uncertain significance for Cardiovascular phenotype. Last evaluated: 2024-02-12. Review status: criteria provided, single submitter. Criteria: Ambry Variant Classification Scheme 2023. Collection method: clinical testing. Allele origin: germline.
Comment: The p.I2041T variant (also known as c.6122T>C), located in coding exon 43 of the DMD gene, results from a T to C substitution at nucleotide position 6122. The isoleucine at codon 2041 is replaced by threonine, an amino acid with similar properties. Based on data from gnomAD, the C allele has an overall frequency of <0.01% (2/155307) total alleles studied, with 1 hemizygote(s) observed. The highest observed frequency was 0.017% (2/11436) of East Asian alleles. This amino acid position is well conserved in available vertebrate species. In addition, the in silico prediction for this alteration is inconclusive. Based on the available evidence, the clinical significance of this alteration remains unclear.